The following is an entry in ClinVar:

ClinVar aggregate classification (germline): Uncertain significance (1 of 4 stars; one submission).

Conditions:
Leukocyte adhesion deficiency 1 (LAD1). Also called: LEUKOCYTE ADHESION DEFICIENCY, TYPE I; LAD 1; Lymphocyte function-associated antigen 1 immunodeficiency; LFA 1 immunodeficiency. Identifiers: Orphanet 2968, Orphanet 99842, MedGen C0398738, MONDO:0007293, OMIM 116920.

Submission:

Labcorp Genetics (formerly Invitae), Labcorp
Classification: Uncertain significance for Leukocyte adhesion deficiency 1. Last evaluated: 2026-01-05. Review status: criteria provided, single submitter. Criteria: Invitae Variant Classification Sherloc (09022015). Collection method: clinical testing. Allele origin: germline.
Comment: This sequence change replaces aspartic acid, which is acidic and polar, with valine, which is neutral and non-polar, at codon 56 of the ITGB2 protein (p.Asp56Val). This variant is not present in population databases (gnomAD no frequency). This variant has not been reported in the literature in individuals affected with ITGB2-related conditions. Invitae Evidence Modeling of protein sequence and biophysical properties (such as structural, functional, and spatial information, amino acid conservation, physicochemical variation, residue mobility, and thermodynamic stability) has been performed for this missense variant. However, the output from this modeling did not meet the statistical confidence thresholds required to predict the impact of this variant on ITGB2 protein function. In summary, the available evidence is currently insufficient to determine the role of this variant in disease. Therefore, it has been classified as a Variant of Uncertain Significance.

NM_000211.5(ITGB2):c.167A>T (p.Asp56Val)

Gene: ITGB2 (integrin subunit beta 2; minus strand). Cytogenetic location: 21q22.3.
Variant type: single nucleotide variant.
Coding change: c.167A>T on transcript NM_000211.5 (MANE Select); coding-DNA position 167, A replaced by T.
Protein change: p.Asp56Val; replaces aspartic acid 56 with valine.
Molecular consequence: missense variant. On other transcripts: 5 prime UTR variant (1).
Genome position (GRCh38, 1-based): chr21:44,907,076, T>A on the plus strand (A>T on the coding strand, the complement: ITGB2 is on the minus strand). VCF-style: chr21-44907076-T-A. GRCh37 (hg19) VCF-style: chr21-46326991-T-A.
Other names: c.167A>T, p.Asp56Val (NM_001127491.3); c.-41A>T (NM_001303238.2); short protein forms D56V.
Identifiers: ClinVar variation 4717218 (VCV004717218.1).